The following is an entry in ClinVar:

NM_001375808.2(LPIN2):c.*2822C>T

Gene: LPIN2 (lipin 2; minus strand). Cytogenetic location: 18p11.31.
Variant type: single nucleotide variant.
Coding change: c.*2822C>T on transcript NM_001375808.2 (MANE Select); 2822 bases downstream of the stop codon, C replaced by T.
Molecular consequence: 3 prime UTR variant.
Genome position (GRCh38, 1-based): chr18:2,917,471, G>A on the plus strand (C>T on the coding strand, the complement: LPIN2 is on the minus strand). VCF-style: chr18-2917471-G-A. GRCh37 (hg19) VCF-style: chr18-2917469-G-A.
Other names: c.*2822C>T (NM_001375809.1, NM_014646.2).
Identifiers: ClinVar variation 326557 (VCV000326557.5), dbSNP rs73375246, ClinGen allele CA10650637.
Genomic context (GRCh38, chr18:2,917,471, plus strand): 5'-CTTCCTTGTTTATTCTTTAAAGGGTTGGCCTGCACCTGCAGTGCCAACTGTGGAAGGGCT[G>A]TGTGCAGGCCCCACAGTTGCAGGGGCTGTTCCGGGCCAGCGCTTCCCAGTCATCCAATCT-3'

ClinVar aggregate classification (germline): Benign (1 of 4 stars; one submission).

Conditions:
Majeed syndrome (MJDS). Also called: CHRONIC RECURRENT MULTIFOCAL OSTEOMYELITIS 1, WITH CONGENITAL DYSERYTHROPOIETIC ANEMIA, WITH OR WITHOUT NEUTROPHILIC DERMATOSIS; LPIN2-Related Majeed Syndrome. Identifiers: Orphanet 77297, MedGen C1864997, MONDO:0012316, OMIM 609628.

Allele frequency attached by ClinVar (database versions not stated): gnomAD 0.00852 and 0.00916; TOPMed 0.00993; 1000 Genomes Project 30x 0.00999; 1000 Genomes Project 0.01018.

Submission:

Illumina Laboratory Services, Illumina
Classification: Benign for Majeed syndrome. Last evaluated: 2018-01-13. Review status: criteria provided, single submitter. Criteria: ICSL Variant Classification Criteria 13 December 2019. Collection method: clinical testing. Allele origin: germline.
Comment: This variant was observed in the ICSL laboratory as part of a predisposition screen in an ostensibly healthy population. It had not been previously curated by ICSL or reported in the Human Gene Mutation Database (HGMD: prior to June 1st, 2018), and was therefore a candidate for classification through an automated scoring system. Utilizing variant allele frequency, disease prevalence and penetrance estimates, and inheritance mode, an automated score was calculated to assess if this variant is too frequent to cause the disease. Based on the score and internal cut-off values, a variant classified as benign is not then subjected to further curation. The score for this variant resulted in a classification of benign for this disease.